The following is an entry in ClinVar:

NM_007272.3(CTRC):c.613G>A (p.Gly205Ser)

Gene: CTRC (chymotrypsin C; plus strand). Cytogenetic location: 1p36.21.
Variant type: single nucleotide variant.
Coding change: c.613G>A on transcript NM_007272.3 (MANE Select); coding-DNA position 613, G replaced by A.
Protein change: p.Gly205Ser; replaces glycine 205 with serine.
Molecular consequence: missense variant.
Genome position (GRCh38, 1-based): chr1:15,444,725, G>A. VCF-style: chr1-15444725-G-A. GRCh37 (hg19) VCF-style: chr1-15771220-G-A.
Other names: short protein forms G205S.
Identifiers: ClinVar variation 3498391 (VCV003498391.1).

ClinVar aggregate classification (germline): Uncertain significance (1 of 4 stars; one submission).

Conditions:
Hereditary pancreatitis (PCTT). Also called: Hereditary chronic pancreatitis; PRSS1-Related Hereditary Pancreatitis. Identifiers: Orphanet 676, MedGen C0238339, MONDO:0008185, OMIM 167800.

Submission:

Ambry Genetics
Classification: Uncertain significance for Hereditary pancreatitis. Last evaluated: 2024-08-30. Review status: criteria provided, single submitter. Criteria: Ambry Variant Classification Scheme 2023. Collection method: clinical testing. Allele origin: germline.
Comment: The p.G205S variant (also known as c.613G>A), located in coding exon 6 of the CTRC gene, results from a G to A substitution at nucleotide position 613. The glycine at codon 205 is replaced by serine, an amino acid with similar properties. This amino acid position is conserved. In addition, this alteration is predicted to be deleterious by in silico analysis. Based on the available evidence, the clinical significance of this variant remains unclear.